The following is an entry in ClinVar:

ClinVar aggregate classification (germline): Conflicting classifications of pathogenicity. Review status: criteria provided, conflicting classifications (1 of 4 stars). 5 submissions from 5 submitters: Uncertain significance (1); Likely benign (3). 1 of the submissions does not count toward it. Last evaluated 2026-08-01.

Conditions:
Inborn genetic diseases. Identifiers: MedGen C0950123, MeSH D030342.
Ocular cystinosis. Also called: Non-Nephropathic (Ocular) Cystinosis; Non-Nephropathic Cystinosis. Identifiers: Orphanet 213, Orphanet 411641, MedGen C2931013, MONDO:0009064, OMIM 219750.
Juvenile nephropathic cystinosis. Also called: Intermediate Cystinosis; CYSTINOSIS, LATE-ONSET JUVENILE OR ADOLESCENT NEPHROPATHIC TYPE; Later-Onset (Juvenile) Cystinosis. Identifiers: Orphanet 213, Orphanet 411634, MedGen C0268626, MONDO:0009066, OMIM 219900.
Cystinosis. Also called: Cystine diathesis; Cystine storage disease; Cystinoses. Identifiers: Orphanet 213, MedGen C4316899, MONDO:0016239.

Allele frequency attached by ClinVar (database versions not stated): 1000 Genomes Project 30x 0.00016; 1000 Genomes Project 0.00020; TOPMed 0.00096.
gnomAD v4.1: 243 of 1,611,624 alleles (0.015%); highest among the groups gnomAD compares: African/African-American, 0.28%; no homozygotes.

Submissions (5):

CeGaT Center for Human Genetics Tuebingen
Classification: Likely benign. Last evaluated: 2026-08-01. Review status: criteria provided, single submitter. Criteria: CeGaT Center For Human Genetics Tuebingen Variant Classification Criteria Version 2. Collection method: clinical testing. Allele origin: germline. Affected: yes. Observed: 1 variant allele.
Comment: CTNS: BP4, BP7

Labcorp Genetics (formerly Invitae), Labcorp
Classification: Likely benign for Inborn genetic diseases; Ocular cystinosis; Juvenile nephropathic cystinosis. Last evaluated: 2025-12-21. Review status: criteria provided, single submitter. Criteria: Invitae Variant Classification Sherloc (09022015). Collection method: clinical testing. Allele origin: germline.

Blueprint Genetics
Classification: Likely benign. Last evaluated: 2024-08-28. Review status: criteria provided, single submitter. Criteria: ACMG Guidelines, 2015. Collection method: clinical testing. Allele origin: germline.

Eurofins Ntd Llc (ga)
Classification: Uncertain significance. Last evaluated: 2015-11-06. Review status: criteria provided, single submitter. Criteria: EGL Classification Definitions 2015. Collection method: clinical testing. Allele origin: germline. Observed: 1 variant allele, 1 heterozygote.

Natera, Inc.
Classification: Likely benign for Cystinosis. Last evaluated: 2020-05-29. Review status: no assertion criteria provided. Collection method: clinical testing. Allele origin: germline. Not counted in ClinVar's aggregate classification.

NM_004937.3(CTNS):c.969C>T (p.Asn323=)

Gene: CTNS (cystinosin, lysosomal cystine transporter; plus strand). Cytogenetic location: 17p13.2.
Variant type: single nucleotide variant.
Coding change: c.969C>T on transcript NM_004937.3 (MANE Select); coding-DNA position 969, C replaced by T.
Protein change: p.Asn323=; no amino-acid change (asparagine 323 retained).
Molecular consequence: synonymous variant.
Genome position (GRCh38, 1-based): chr17:3,659,974, C>T. VCF-style: chr17-3659974-C-T. GRCh37 (hg19) VCF-style: chr17-3563268-C-T.
Other names: c.969C>T, p.Asn323= (NM_001031681.3, NM_001374492.1); c.528C>T, p.Asn176= (NM_001374493.1, NM_001374494.1, NM_001374495.1 and 1 more transcripts).
Identifiers: ClinVar variation 284194 (VCV000284194.21), dbSNP rs121908128, ClinGen allele CA8291966.